The following is an entry in ClinVar:

NM_001171613.2(PREPL):c.1263-1G>C

Gene: PREPL (prolyl endopeptidase like; minus strand). Cytogenetic location: 2p21.
Variant type: single nucleotide variant.
Coding change: c.1263-1G>C on transcript NM_001171613.2 (MANE Select); the canonical splice acceptor site of the intron before coding-DNA position 1263, G replaced by C.
Molecular consequence: splice acceptor variant.
Genome position (GRCh38, 1-based): chr2:44,326,929, C>G on the plus strand (G>C on the coding strand, the complement: PREPL is on the minus strand). VCF-style: chr2-44326929-C-G. GRCh37 (hg19) VCF-style: chr2-44554068-C-G.
Other names: c.1263-1G>C (NM_001171617.1, NM_001374277.1); c.1530-1G>C (NM_001171603.1, NM_001374275.1, NM_001374276.1 and 2 more transcripts); c.1344-1G>C (NM_001042385.2); c.1332-1G>C (NM_001042386.2).
Identifiers: ClinVar variation 489148 (VCV000489148.12), dbSNP rs1316112168, ClinGen allele CA346689817.

ClinVar aggregate classification (germline): Pathogenic/Likely pathogenic. Review status: criteria provided, multiple submitters, no conflicts (2 of 4 stars). 2 submissions from 2 submitters: Pathogenic (1); Likely pathogenic (1). Last evaluated 2025-09-22.

Conditions:
Myasthenic syndrome, congenital, 22 (CMS22). Also called: PREPL DEFICIENCY. Identifiers: MedGen C4479088, MONDO:0044299, OMIM 616224.

Allele frequency attached by ClinVar (database versions not stated): gnomAD exomes below 0.00001 and 0.00001; gnomAD 0.00001; TOPMed 0.00003.
gnomAD v4.1: 12 of 1,613,606 alleles (0.00074%); highest among the groups gnomAD compares: Non-Finnish European, 0.001%; no homozygotes.

Submissions (2):

Labcorp Genetics (formerly Invitae), Labcorp
Classification: Likely pathogenic for Myasthenic syndrome, congenital, 22. Last evaluated: 2025-09-22. Review status: criteria provided, single submitter. Criteria: Invitae Variant Classification Sherloc (09022015). Collection method: clinical testing. Allele origin: germline.
Comment: This sequence change affects an acceptor splice site in intron 9 of the PREPL gene. It is expected to disrupt RNA splicing. Variants that disrupt the donor or acceptor splice site typically lead to a loss of protein function (PMID: 16199547), and loss-of-function variants in PREPL are known to be pathogenic (PMID: 24610330, 28726805, 29913539). This variant is present in population databases (no rsID available, gnomAD 0.0009%). This variant has not been reported in the literature in individuals affected with PREPL-related conditions. ClinVar contains an entry for this variant (Variation ID: 489148). Algorithms developed to predict the effect of sequence changes on RNA splicing suggest that this variant may disrupt the consensus splice site. In summary, the currently available evidence indicates that the variant is pathogenic, but additional data are needed to prove that conclusively. Therefore, this variant has been classified as Likely Pathogenic.

GeneDx
Classification: Pathogenic. Last evaluated: 2024-02-07. Review status: criteria provided, single submitter. Criteria: GeneDx Variant Classification Process June 2021. Collection method: clinical testing. Allele origin: germline. Affected: yes.
Comment: Canonical splice site variant in a gene for which loss-of-function is a known mechanism of disease; Not observed at a significant frequency in large population cohorts (gnomAD); Has not been previously published as pathogenic or benign to our knowledge

Literature cited by the submitters: PubMed 16199547 (cited by Labcorp Genetics (formerly Invitae), Labcorp); PubMed 24610330 (cited by Labcorp Genetics (formerly Invitae), Labcorp); PubMed 28726805 (cited by Labcorp Genetics (formerly Invitae), Labcorp); PubMed 29913539 (cited by Labcorp Genetics (formerly Invitae), Labcorp).